The following is an entry in ClinVar:

NM_152743.4(BRAT1):c.1381G>A (p.Gly461Ser)

Gene: BRAT1 (BRCA1 associated ATM activator 1; minus strand). Cytogenetic location: 7p22.3.
Variant type: single nucleotide variant.
Coding change: c.1381G>A on transcript NM_152743.4 (MANE Select); coding-DNA position 1381, G replaced by A.
Protein change: p.Gly461Ser; replaces glycine 461 with serine.
Molecular consequence: missense variant. On other transcripts: non-coding transcript variant (1).
Genome position (GRCh38, 1-based): chr7:2,540,993, C>T on the plus strand (G>A on the coding strand, the complement: BRAT1 is on the minus strand). VCF-style: chr7-2540993-C-T. GRCh37 (hg19) VCF-style: chr7-2580627-C-T.
Other names: c.1381G>A, p.Gly461Ser (NM_001350626.2); c.856G>A, p.Gly286Ser (NM_001350627.2); short protein forms G286S, G461S.
Identifiers: ClinVar variation 639508 (VCV000639508.9), dbSNP rs767205945, ClinGen allele CA4127781.
Genomic context (GRCh38, chr7:2,540,993, plus strand): 5'-GCCTCTGCCTCCCTCCTCTCCTCGCTCTCTATCCCCACCACCGTACCGTGGGGCTGGAGC[C>T]GGGGCTCTCGAGGCACTCCAGGAGGACAGCAAGCGCCTGCGTCACCAGCTCCTGGGGGCC-3'
Protein context (NP_689956.2, residues 451-471): AVLLECLESP[Gly461Ser]SSPTVLKKAF

ClinVar aggregate classification (germline): Uncertain significance. Review status: criteria provided, multiple submitters, no conflicts (2 of 4 stars). 2 submissions from 2 submitters: Uncertain significance (2). Last evaluated 2024-10-29.

Conditions:
Neonatal-onset encephalopathy with rigidity and seizures. Also called: Lethal neonatal spasticity-epileptic encephalopathy syndrome. Identifiers: Orphanet 435845, MedGen C3281029, MONDO:0013784, OMIM 614498.
Inborn genetic diseases. Identifiers: MedGen C0950123, MeSH D030342.

Allele frequency attached by ClinVar (database versions not stated): TOPMed below 0.00001; gnomAD 0.00001.

Submissions (2):

Labcorp Genetics (formerly Invitae), Labcorp
Classification: Uncertain significance for Neonatal-onset encephalopathy with rigidity and seizures. Last evaluated: 2024-10-29. Review status: criteria provided, single submitter. Criteria: Invitae Variant Classification Sherloc (09022015). Collection method: clinical testing. Allele origin: germline.
Comment: This sequence change replaces glycine, which is neutral and non-polar, with serine, which is neutral and polar, at codon 461 of the BRAT1 protein (p.Gly461Ser). The frequency data for this variant in the population databases is considered unreliable, as metrics indicate poor data quality at this position in the gnomAD database. This variant has not been reported in the literature in individuals affected with BRAT1-related conditions. ClinVar contains an entry for this variant (Variation ID: 639508). Invitae Evidence Modeling of protein sequence and biophysical properties (such as structural, functional, and spatial information, amino acid conservation, physicochemical variation, residue mobility, and thermodynamic stability) indicates that this missense variant is not expected to disrupt BRAT1 protein function with a negative predictive value of 95%. In summary, the available evidence is currently insufficient to determine the role of this variant in disease. Therefore, it has been classified as a Variant of Uncertain Significance.

Ambry Genetics
Classification: Uncertain significance for Inborn genetic diseases. Last evaluated: 2024-06-03. Review status: criteria provided, single submitter. Criteria: Ambry Variant Classification Scheme 2023. Collection method: clinical testing. Allele origin: germline.